The following is an entry in ClinVar:

ClinVar aggregate classification (germline): Uncertain significance (1 of 4 stars; one submission).

Allele frequency attached by ClinVar (database versions not stated): gnomAD exomes below 0.00001; ExAC 0.00001; ESP Exome Variant Server 0.00008.
gnomAD v4.1: 12 of 1,614,050 alleles (0.00074%); highest among the groups gnomAD compares: Non-Finnish European, 0.001%; no homozygotes.

Submission:

Labcorp Genetics (formerly Invitae), Labcorp
Classification: Uncertain significance. Last evaluated: 2021-04-02. Review status: criteria provided, single submitter. Criteria: Invitae Variant Classification Sherloc (09022015). Collection method: clinical testing. Allele origin: germline.
Comment: This variant is present in population databases (rs45607336, ExAC 0.001%). This sequence change replaces asparagine with aspartic acid at codon 452 of the TEK protein (p.Asn452Asp). The asparagine residue is moderately conserved and there is a small physicochemical difference between asparagine and aspartic acid. In summary, the available evidence is currently insufficient to determine the role of this variant in disease. Therefore, it has been classified as a Variant of Uncertain Significance. Algorithms developed to predict the effect of sequence changes on RNA splicing suggest that this variant may create or strengthen a splice site, but this prediction has not been confirmed by published transcriptional studies. Advanced modeling of protein sequence and biophysical properties (such as structural, functional, and spatial information, amino acid conservation, physicochemical variation, residue mobility, and thermodynamic stability) performed at Invitae indicates that this missense variant is not expected to disrupt TEK protein function. This variant has not been reported in the literature in individuals with TEK-related conditions.

NM_000459.5(TEK):c.1354A>G (p.Asn452Asp)

Gene: TEK (TEK receptor tyrosine kinase; plus strand). Cytogenetic location: 9p21.2.
Variant type: single nucleotide variant.
Coding change: c.1354A>G on transcript NM_000459.5 (MANE Select); coding-DNA position 1354, A replaced by G.
Protein change: p.Asn452Asp; replaces asparagine 452 with aspartic acid.
Molecular consequence: missense variant.
Genome position (GRCh38, 1-based): chr9:27,190,555, A>G. VCF-style: chr9-27190555-A-G. GRCh37 (hg19) VCF-style: chr9-27190553-A-G.
Other names: c.1225A>G, p.Asn409Asp (NM_001290077.2, NM_001375476.1); c.913A>G, p.Asn305Asp (NM_001290078.2); c.1354A>G, p.Asn452Asp (NM_001375475.1); short protein forms N305D, N452D, N409D.
Identifiers: ClinVar variation 1508406 (VCV001508406.8), dbSNP rs45607336, ClinGen allele CA5016221.